The following is an entry in ClinVar:

ClinVar aggregate classification (germline): Benign/Likely benign. Review status: criteria provided, multiple submitters, no conflicts (2 of 4 stars). 3 submissions from 3 submitters: Benign (1); Likely benign (2). Last evaluated 2025-04-11.

Conditions:
Hereditary nonpolyposis colorectal neoplasms. Identifiers: MedGen C0009405, MeSH D003123.
Hereditary cancer-predisposing syndrome. Also called: Neoplastic Syndromes, Hereditary; Tumor predisposition; Hereditary Cancer Syndrome; Hereditary neoplastic syndrome. Identifiers: Orphanet 140162, MedGen C0027672, MeSH D009386, MONDO:0015356.
Lynch syndrome 5 (LYNCH5). Also called: Colorectal cancer, hereditary nonpolyposis, type 5; Hereditary non-polyposis colorectal cancer, type 5. Identifiers: Orphanet 144, MedGen C1833477, MONDO:0013710, OMIM 614350. Disease mechanism: loss of function.

Allele frequency attached by ClinVar (database versions not stated): gnomAD exomes below 0.00001.
gnomAD v4.1: 1 of 1,612,538 alleles (0.000062%); highest among the groups gnomAD compares: Non-Finnish European, 0.000085%; no homozygotes.

Submissions (3):

Labcorp Genetics (formerly Invitae), Labcorp
Classification: Likely benign for Hereditary nonpolyposis colorectal neoplasms. Last evaluated: 2025-04-11. Review status: criteria provided, single submitter. Criteria: Invitae Variant Classification Sherloc (09022015). Collection method: clinical testing. Allele origin: germline.

Myriad Genetics, Inc.
Classification: Benign for Lynch syndrome 5. Last evaluated: 2025-01-09. Review status: criteria provided, single submitter. Criteria: Myriad Autosomal Dominant, Autosomal Recessive and X-Linked Classification Criteria (2023). Collection method: clinical testing. Allele origin: unknown.
Comment: This variant is considered benign. This variant is a silent/synonymous amino acid change and it is not expected to impact splicing.

Ambry Genetics
Classification: Likely benign for Hereditary cancer-predisposing syndrome. Last evaluated: 2018-05-01. Review status: criteria provided, single submitter. Criteria: Ambry Variant Classification Scheme 2023. Collection method: clinical testing. Allele origin: germline.

NM_000179.3(MSH6):c.4057T>C (p.Leu1353=)

Gene: MSH6 (mutS homolog 6; plus strand). Cytogenetic location: 2p16.3.
Variant type: single nucleotide variant.
Coding change: c.4057T>C on transcript NM_000179.3 (MANE Select); coding-DNA position 4057, T replaced by C.
Protein change: p.Leu1353=; no amino-acid change (leucine 1353 retained).
Molecular consequence: synonymous variant. On other transcripts: 3 prime UTR variant (5), non-coding transcript variant (5).
Genome position (GRCh38, 1-based): chr2:47,806,834, T>C. VCF-style: chr2-47806834-T-C. GRCh37 (hg19) VCF-style: chr2-48033973-T-C.
Other names: c.3667T>C, p.Leu1223= (NM_001281492.2); c.3151T>C, p.Leu1051= (NM_001281493.2, NM_001281494.2, NM_001406811.1 and 6 more transcripts); c.4153T>C, p.Leu1385= (NM_001406795.1); c.4057T>C, p.Leu1353= (NM_001406796.1, NM_001406809.1); c.3760T>C, p.Leu1254= (NM_001406797.1, NM_001406805.1, NM_001406818.1 and 8 more transcripts); c.3883T>C, p.Leu1295= (NM_001406798.1); c.3532T>C, p.Leu1178= (NM_001406799.1, NM_001406806.1, NM_001406807.1); c.*78T>C (NM_001406800.1); and 9 more.
Identifiers: ClinVar variation 1737424 (VCV001737424.5), dbSNP rs2104583838, ClinGen allele CA426122286.
Genomic context (GRCh38, chr2:47,806,834, plus strand): 5'-TTAAGGGAAGTTTGCCTGGCTAGTGAAAGGTCAACTGTAGATGCTGAAGCTGTCCATAAA[T>C]TGCTGACTTTGATTAAGGAATTATAGACTGACTACATTGGAAGCTTTGAGTTGACTTCTG-3'
Protein context (NP_000170.1, residues 1343-1360): STVDAEAVHK[Leu1353=]LTLIKEL